The following is an entry in ClinVar:

ClinVar aggregate classification (germline): Uncertain significance. Review status: criteria provided, multiple submitters, no conflicts (2 of 4 stars). 3 submissions from 3 submitters: Uncertain significance (2). 1 of the submissions does not count toward it. Last evaluated 2025-03-26.

Conditions:
Deafness-lymphedema-leukemia syndrome. Also called: Lymphedema, primary, with myelodysplasia; Emberger syndrome. Identifiers: Orphanet 3226, MedGen C3279664, MONDO:0013540, OMIM 614038.
Monocytopenia with susceptibility to infections. Also called: Dendritic cell, monocyte, B lymphocyte, and natural killer lymphocyte deficiency; MONOCYTOPENIA AND MYCOBACTERIAL INFECTION SYNDROME; MONOCYTOPENIA WITH SUSCEPTIBILITY TO MYCOBACTERIAL, FUNGAL, AND PAPILLOMAVIRUS INFECTIONS AND MYELODYSPLASIA; COMBINED IMMUNODEFICIENCY WITH SUSCEPTIBILITY TO MYCOBACTERIAL, VIRAL, AND FUNGAL INFECTIONS; IMMUNODEFICIENCY 21; GATA2 DEFICIENCY. Identifiers: Orphanet 228423, MedGen C3280030, MONDO:0013607, OMIM 614172.
GATA2-related disorder. Also called: GATA2-Related Disorders; GATA2-related condition.
Inborn genetic diseases. Identifiers: MedGen C0950123, MeSH D030342.

Submissions (3):

Ambry Genetics
Classification: Uncertain significance for Inborn genetic diseases. Last evaluated: 2025-03-26. Review status: criteria provided, single submitter. Criteria: Ambry Variant Classification Scheme 2023. Collection method: clinical testing. Allele origin: germline.
Comment: The p.R69C variant (also known as c.205C>T), located in coding exon 1 of the GATA2 gene, results from a C to T substitution at nucleotide position 205. The arginine at codon 69 is replaced by cysteine, an amino acid with highly dissimilar properties. This amino acid position is conserved. In addition, this alteration is predicted to be deleterious by in silico analysis. Based on the available evidence, the clinical significance of this variant remains unclear.

Labcorp Genetics (formerly Invitae), Labcorp
Classification: Uncertain significance for Monocytopenia with susceptibility to infections; Deafness-lymphedema-leukemia syndrome. Last evaluated: 2024-09-02. Review status: criteria provided, single submitter. Criteria: Invitae Variant Classification Sherloc (09022015). Collection method: clinical testing. Allele origin: germline.
Comment: This sequence change replaces arginine, which is basic and polar, with cysteine, which is neutral and slightly polar, at codon 69 of the GATA2 protein (p.Arg69Cys). This variant is not present in population databases (gnomAD no frequency). This variant has not been reported in the literature in individuals affected with GATA2-related conditions. Invitae Evidence Modeling of protein sequence and biophysical properties (such as structural, functional, and spatial information, amino acid conservation, physicochemical variation, residue mobility, and thermodynamic stability) has been performed for this missense variant. However, the output from this modeling did not meet the statistical confidence thresholds required to predict the impact of this variant on GATA2 protein function. In summary, the available evidence is currently insufficient to determine the role of this variant in disease. Therefore, it has been classified as a Variant of Uncertain Significance.

PreventionGenetics, part of Exact Sciences
Classification: Uncertain significance for GATA2-related condition. Last evaluated: 2024-07-30. Review status: no assertion criteria provided. Collection method: clinical testing. Allele origin: germline. Not counted in ClinVar's aggregate classification.
Comment: The GATA2 c.205C>T variant is predicted to result in the amino acid substitution p.Arg69Cys. To our knowledge, this variant has not been reported in the literature or in a large population database, indicating this variant is rare. At this time, the clinical significance of this variant is uncertain due to the absence of conclusive functional and genetic evidence.

NM_032638.5(GATA2):c.205C>T (p.Arg69Cys)

Gene: GATA2 (GATA binding protein 2; minus strand). Cytogenetic location: 3q21.3.
Variant type: single nucleotide variant.
Coding change: c.205C>T on transcript NM_032638.5 (MANE Select); coding-DNA position 205, C replaced by T.
Protein change: p.Arg69Cys; replaces arginine 69 with cysteine.
Molecular consequence: missense variant.
Genome position (GRCh38, 1-based): chr3:128,486,827, G>A on the plus strand (C>T on the coding strand, the complement: GATA2 is on the minus strand). VCF-style: chr3-128486827-G-A. GRCh37 (hg19) VCF-style: chr3-128205670-G-A.
Other names: c.205C>T, p.Arg69Cys (NM_001145661.2, NM_001145662.1); short protein forms R69C.
Identifiers: ClinVar variation 3347274 (VCV003347274.4).
Genomic context (GRCh38, chr3:128,486,827, plus strand): 5'-CGCCTGGGTTCTCATCACCACGGGCCCAGTGCTCACCGTGCGCGGGGCTGTAGGAGACGC[G>A]CGCCCGCGCGTGAGCGGGGTTGGCATAGTAGGGGTTGCCCTGCGAGTCGAGGTGATTGAA-3'
Protein context (NP_116027.2, residues 59-79): YYANPAHARA[Arg69Cys]VSYSPAHARL